The following is an entry in ClinVar:

NM_025132.4(WDR19):c.1366G>A (p.Glu456Lys)

Gene: WDR19 (WD repeat domain 19; plus strand). Cytogenetic location: 4p14.
Variant type: single nucleotide variant.
Coding change: c.1366G>A on transcript NM_025132.4 (MANE Select); coding-DNA position 1366, G replaced by A.
Protein change: p.Glu456Lys; replaces glutamic acid 456 with lysine.
Molecular consequence: missense variant.
Genome position (GRCh38, 1-based): chr4:39,217,992, G>A. VCF-style: chr4-39217992-G-A. GRCh37 (hg19) VCF-style: chr4-39219612-G-A.
Other names: c.886G>A, p.Glu296Lys (NM_001317924.2); short protein forms E456K, E296K.
Identifiers: ClinVar variation 712549 (VCV000712549.12), dbSNP rs539621646, ClinGen allele CA2891835.

ClinVar aggregate classification (germline): Conflicting classifications of pathogenicity. Review status: criteria provided, conflicting classifications (1 of 4 stars). 4 submissions from 4 submitters: Uncertain significance (2); Likely benign (1). 1 of the submissions does not count toward it. Last evaluated 2025-11-08.

Conditions:
Spermatogenic failure 72 (SPGF72). Identifiers: MedGen C5676980, MONDO:0030809, OMIM 619867.
Cranioectodermal dysplasia 4 (CED4). Identifiers: Orphanet 1515, MedGen C3280616, MONDO:0013719, OMIM 614378.
Senior-Loken syndrome 8 (SLSN8). Identifiers: Orphanet 3156, MedGen C4225376, MONDO:0014579, OMIM 616307.
Nephronophthisis 13 (NPHP13). Identifiers: Orphanet 655, MedGen C3280612, MONDO:0013718, OMIM 614377.
Asphyxiating thoracic dystrophy 5 (SRTD5). Also called: SHORT-RIB THORACIC DYSPLASIA 5 WITH OR WITHOUT POLYDACTYLY; SHORT-RIB THORACIC DYSPLASIA 5 WITHOUT POLYDACTYLY. Identifiers: Orphanet 474, MedGen C3280598, MONDO:0013717, OMIM 614376.
WDR19-related disorder. Also called: WDR19-related condition; WDR19-related disorders. Identifiers: MedGen CN380161.

Allele frequency attached by ClinVar (database versions not stated): gnomAD below 0.00001 and 0.00007; TOPMed 0.00003; gnomAD exomes 0.00011 and 0.00025; ExAC 0.00031; 1000 Genomes Project 30x 0.00016; 1000 Genomes Project 0.00020.
gnomAD v4.1: 176 of 1,613,472 alleles (0.011%); highest among the groups gnomAD compares: South Asian, 0.15%; 3 homozygotes.

Submissions (4):

Labcorp Genetics (formerly Invitae), Labcorp
Classification: Likely benign for Senior-Loken syndrome 8; Asphyxiating thoracic dystrophy 5. Last evaluated: 2025-11-08. Review status: criteria provided, single submitter. Criteria: Invitae Variant Classification Sherloc (09022015). Collection method: clinical testing. Allele origin: germline.

Fulgent Genetics
Classification: Uncertain significance for Asphyxiating thoracic dystrophy 5; Nephronophthisis 13; Cranioectodermal dysplasia 4; Senior-Loken syndrome 8; Spermatogenic failure 72. Last evaluated: 2024-05-10. Review status: criteria provided, single submitter. Criteria: ACMG Guidelines, 2015. Collection method: clinical testing. Allele origin: germline.

Blueprint Genetics
Classification: Uncertain significance. Last evaluated: 2024-03-14. Review status: criteria provided, single submitter. Criteria: ACMG Guidelines, 2015. Collection method: clinical testing. Allele origin: germline.

PreventionGenetics, part of Exact Sciences
Classification: Likely benign for WDR19-related condition. Last evaluated: 2024-06-27. Review status: no assertion criteria provided. Collection method: clinical testing. Allele origin: germline. Not counted in ClinVar's aggregate classification.
Comment: This variant is classified as likely benign based on ACMG/AMP sequence variant interpretation guidelines (Richards et al. 2015 PMID: 25741868, with internal and published modifications).